The following is an entry in ClinVar:

NM_018489.3(ASH1L):c.942G>A (p.Ala314=)

Gene: ASH1L (ASH1 like histone lysine methyltransferase; minus strand). Cytogenetic location: 1q22.
Variant type: single nucleotide variant.
Coding change: c.942G>A on transcript NM_018489.3 (MANE Select); coding-DNA position 942, G replaced by A.
Protein change: p.Ala314=; no amino-acid change (alanine 314 retained).
Molecular consequence: synonymous variant.
Genome position (GRCh38, 1-based): chr1:155,481,928, C>T on the plus strand (G>A on the coding strand, the complement: ASH1L is on the minus strand). VCF-style: chr1-155481928-C-T. GRCh37 (hg19) VCF-style: chr1-155451719-C-T.
Other names: c.942G>A, p.Ala314= (NM_001366177.2).
Identifiers: ClinVar variation 718488 (VCV000718488.7), dbSNP rs115209829, ClinGen allele CA1147416.

ClinVar aggregate classification (germline): Benign. Review status: criteria provided, multiple submitters, no conflicts (2 of 4 stars). 3 submissions from 3 submitters: Benign (2). 1 of the submissions does not count toward it. Last evaluated 2019-12-31.

Conditions:
ASH1L-related disorder. Also called: ASH1L-related condition.

Allele frequency attached by ClinVar (database versions not stated): gnomAD exomes 0.00064 and 0.00166; ExAC 0.00211; gnomAD 0.00680 and 0.00751; 1000 Genomes Project 0.00699; TOPMed 0.00767; 1000 Genomes Project 30x 0.00781; ESP Exome Variant Server 0.00800.
gnomAD v4.1: 1,988 of 1,614,082 alleles (0.12%); highest among the groups gnomAD compares: African/African-American, 2.4%; 27 homozygotes.

Submissions (3):

Labcorp Genetics (formerly Invitae), Labcorp
Classification: Benign. Last evaluated: 2019-12-31. Review status: criteria provided, single submitter. Criteria: Invitae Variant Classification Sherloc (09022015). Collection method: clinical testing. Allele origin: germline.

Breakthrough Genomics
Classification: Benign. Review status: criteria provided, single submitter. Criteria: ACMG Guidelines, 2015. Collection method: not provided. Allele origin: germline. Inheritance: Autosomal dominant inheritance. Affected: yes.

PreventionGenetics, part of Exact Sciences
Classification: Benign for ASH1L-related condition. Last evaluated: 2022-09-09. Review status: no assertion criteria provided. Collection method: clinical testing. Allele origin: germline. Not counted in ClinVar's aggregate classification.
Comment: This variant is classified as benign based on ACMG/AMP sequence variant interpretation guidelines (Richards et al. 2015 PMID: 25741868, with internal and published modifications).